The following is an entry in ClinVar:

NM_001276345.2(TNNT2):c.720-71C>T

Gene: TNNT2 (troponin T2, cardiac type; minus strand). Cytogenetic location: 1q32.1.
Variant type: single nucleotide variant.
Coding change: c.720-71C>T on transcript NM_001276345.2 (MANE Select); 71 bases into the intron before coding-DNA position 720, C replaced by T.
Molecular consequence: intron variant.
Genome position (GRCh38, 1-based): chr1:201,361,440, G>A on the plus strand (C>T on the coding strand, the complement: TNNT2 is on the minus strand). VCF-style: chr1-201361440-G-A. GRCh37 (hg19) VCF-style: chr1-201330568-G-A.
Other names: c.672-71C>T (NM_001001432.3); c.681-71C>T (NM_001001431.3); c.690-71C>T (NM_001001430.3, NM_001276347.2); c.591-71C>T (NM_001276346.2); c.711-71C>T (NM_000364.4).
Identifiers: ClinVar variation 675348 (VCV000675348.1), dbSNP rs140139755, ClinGen allele CA35418185.

ClinVar aggregate classification (germline): Likely benign (1 of 4 stars; one submission).

Allele frequency attached by ClinVar (database versions not stated): 1000 Genomes Project 30x 0.00906; gnomAD 0.00980 and 0.01071; 1000 Genomes Project 0.01018; TOPMed 0.01112.

Submission:

GeneDx
Classification: Likely benign. Last evaluated: 2018-06-14. Review status: criteria provided, single submitter. Criteria: GeneDx Variant Classification (06012015). Collection method: clinical testing. Allele origin: germline. Affected: yes.
Comment: This variant is considered likely benign or benign based on one or more of the following criteria: it is a conservative change, it occurs at a poorly conserved position in the protein, it is predicted to be benign by multiple in silico algorithms, and/or has population frequency not consistent with disease.